The following is an entry in ClinVar:

ClinVar aggregate classification (germline): Uncertain significance (1 of 4 stars; one submission).

Conditions:
Immunodeficiency 51 (IMD51). Also called: CANDIDIASIS, FAMILIAL, 5. Identifiers: Orphanet 1334, MedGen C4310803, MONDO:0013500, OMIM 613953.

Allele frequency attached by ClinVar (database versions not stated): TOPMed below 0.00001.

Submission:

Labcorp Genetics (formerly Invitae), Labcorp
Classification: Uncertain significance for Immunodeficiency 51. Last evaluated: 2022-01-11. Review status: criteria provided, single submitter. Criteria: Invitae Variant Classification Sherloc (09022015). Collection method: clinical testing. Allele origin: germline.
Comment: This sequence change replaces glycine, which is neutral and non-polar, with aspartic acid, which is acidic and polar, at codon 729 of the IL17RA protein (p.Gly729Asp). This variant is not present in population databases (gnomAD no frequency). This variant has not been reported in the literature in individuals affected with IL17RA-related conditions. ClinVar contains an entry for this variant (Variation ID: 1009890). Algorithms developed to predict the effect of missense changes on protein structure and function (SIFT, PolyPhen-2, Align-GVGD) all suggest that this variant is likely to be tolerated. In summary, the available evidence is currently insufficient to determine the role of this variant in disease. Therefore, it has been classified as a Variant of Uncertain Significance.

NM_014339.7(IL17RA):c.2186G>A (p.Gly729Asp)

Gene: IL17RA (interleukin 17 receptor A; plus strand). Cytogenetic location: 22q11.1.
Variant type: single nucleotide variant.
Coding change: c.2186G>A on transcript NM_014339.7 (MANE Select); coding-DNA position 2186, G replaced by A.
Protein change: p.Gly729Asp; replaces glycine 729 with aspartic acid.
Molecular consequence: missense variant.
Genome position (GRCh38, 1-based): chr22:17,109,405, G>A. VCF-style: chr22-17109405-G-A. GRCh37 (hg19) VCF-style: chr22-17590295-G-A.
Other names: c.2084G>A, p.Gly695Asp (NM_001289905.2); short protein forms G695D, G729D.
Identifiers: ClinVar variation 1009890 (VCV001009890.7), dbSNP rs2061430229, ClinGen allele CA410221202.
Genomic context (GRCh38, chr22:17,109,405, plus strand): 5'-CGGGCGCTGGGCGAAATAGCGTCCTCTTCCTCCCCGTGGACCCCGAGGACTCGCCCCTTG[G>A]CAGCAGCACCCCCATGGCGTCTCCTGACCTCCTTCCAGAGGACGTGAGGGAGCACCTCGA-3'
Protein context (NP_055154.3, residues 719-739): LPVDPEDSPL[Gly729Asp]SSTPMASPDL